The following is an entry in ClinVar:

ClinVar aggregate classification (germline): Uncertain significance. Review status: criteria provided, multiple submitters, no conflicts (2 of 4 stars). 2 submissions from 2 submitters: Uncertain significance (2). Last evaluated 2025-01-01.

Allele frequency attached by ClinVar (database versions not stated): gnomAD exomes 0.00002 and 0.00003; TOPMed 0.00002; gnomAD 0.00003 and 0.00005; ExAC 0.00005; 1000 Genomes Project 0.00020; 1000 Genomes Project 30x 0.00031.
gnomAD v4.1: 33 of 1,614,164 alleles (0.002%); highest among the groups gnomAD compares: South Asian, 0.011%; no homozygotes.

Submissions (2):

Ambry Genetics
Classification: Uncertain significance. Last evaluated: 2025-01-01. Review status: criteria provided, single submitter. Criteria: Ambry Variant Classification Scheme 2023. Collection method: clinical testing. Allele origin: germline.

Labcorp Genetics (formerly Invitae), Labcorp
Classification: Uncertain significance. Last evaluated: 2023-12-22. Review status: criteria provided, single submitter. Criteria: Invitae Variant Classification Sherloc (09022015). Collection method: clinical testing. Allele origin: germline.
Comment: This sequence change replaces arginine, which is basic and polar, with histidine, which is basic and polar, at codon 1045 of the RUSC2 protein (p.Arg1045His). This variant is present in population databases (rs554249665, gnomAD 0.01%). This variant has not been reported in the literature in individuals affected with RUSC2-related conditions. ClinVar contains an entry for this variant (Variation ID: 1394904). An algorithm developed to predict the effect of missense changes on protein structure and function (PolyPhen-2) suggests that this variant is likely to be disruptive. In summary, the available evidence is currently insufficient to determine the role of this variant in disease. Therefore, it has been classified as a Variant of Uncertain Significance.

NM_014806.5(RUSC2):c.3134G>A (p.Arg1045His)

Gene: RUSC2 (RUN and SH3 domain containing 2; plus strand). Cytogenetic location: 9p13.3.
Variant type: single nucleotide variant.
Coding change: c.3134G>A on transcript NM_014806.5 (MANE Select); coding-DNA position 3134, G replaced by A.
Protein change: p.Arg1045His; replaces arginine 1045 with histidine.
Molecular consequence: missense variant. On other transcripts: non-coding transcript variant (1).
Genome position (GRCh38, 1-based): chr9:35,558,270, G>A. VCF-style: chr9-35558270-G-A. GRCh37 (hg19) VCF-style: chr9-35558267-G-A.
Other names: c.3134G>A, p.Arg1045His (NM_001135999.2); c.500G>A, p.Arg167His (NM_001330740.2); c.3134G>A (NM_001135999.1); short protein forms R1045H, R167H.
Identifiers: ClinVar variation 1394904 (VCV001394904.7), dbSNP rs554249665, ClinGen allele CA5044063.
Genomic context (GRCh38, chr9:35,558,270, plus strand): 5'-ACAGTTCTGTGAGCCCCAATGTGGGCCACCTGGTTCTGAAGTACTTGTGCCCTGCCGTCC[G>A]CGCCGTGCTGGAGGATGGGCTCAAGGCCTTTGTACTGGACGTCATCATCGGGCAGCGTAA-3'
Protein context (NP_055621.2, residues 1035-1055): LVLKYLCPAV[Arg1045His]AVLEDGLKAF